The following is an entry in ClinVar:

NM_002230.4(JUP):c.414G>C (p.Glu138Asp)

Gene: JUP (junction plakoglobin; minus strand). Cytogenetic location: 17q21.2.
Variant type: single nucleotide variant.
Coding change: c.414G>C on transcript NM_002230.4 (MANE Select); coding-DNA position 414, G replaced by C.
Protein change: p.Glu138Asp; replaces glutamic acid 138 with aspartic acid.
Molecular consequence: missense variant.
Genome position (GRCh38, 1-based): chr17:41,769,472, C>G on the plus strand (G>C on the coding strand, the complement: JUP is on the minus strand). VCF-style: chr17-41769472-C-G. GRCh37 (hg19) VCF-style: chr17-39925724-C-G.
Other names: c.414G>C, p.Glu138Asp (NM_001352773.2, NM_001352774.2, NM_001352775.2 and 3 more transcripts); short protein forms E138D.
Identifiers: ClinVar variation 3222011 (VCV003222011.1), dbSNP rs370003514, ClinGen allele CA8565501.
Genomic context (GRCh38, chr17:41,769,472, plus strand): 5'-ACAGACCGGGTCCTCGTCGTTGAGCAGTTTGGTGAGCTCGGGCAGGGCGCGAGTGGCCAG[C>G]TCGGCATCGTCCTGGTAGTTGATGAGATGCACAATGGCCGACTTGAGCAGCTGGGACGGC-3'
Protein context (NP_002221.1, residues 128-148): VHLINYQDDA[Glu138Asp]LATRALPELT

ClinVar aggregate classification (germline): Uncertain significance (1 of 4 stars; one submission).

Conditions:
Cardiovascular phenotype. Identifiers: MedGen CN230736.

gnomAD v4.1: 1 of 1,613,076 alleles (0.000062%); highest among the groups gnomAD compares: Non-Finnish European, 0.000085%; no homozygotes.

Submission:

Ambry Genetics
Classification: Uncertain significance for Cardiovascular phenotype. Last evaluated: 2024-01-11. Review status: criteria provided, single submitter. Criteria: Ambry Variant Classification Scheme 2023. Collection method: clinical testing. Allele origin: germline.
Comment: The p.E138D variant (also known as c.414G>C), located in coding exon 2 of the JUP gene, results from a G to C substitution at nucleotide position 414. The glutamic acid at codon 138 is replaced by aspartic acid, an amino acid with highly similar properties. This amino acid position is conserved. In addition, the in silico prediction for this alteration is inconclusive. Since supporting evidence is limited at this time, the clinical significance of this alteration remains unclear.